The following is an entry in ClinVar:

ClinVar aggregate classification (germline): Uncertain significance (1 of 4 stars; one submission).

gnomAD v4.1: 80 of 1,612,594 alleles (0.005%); highest among the groups gnomAD compares: Non-Finnish European, 0.006%; no homozygotes.

Submission:

Labcorp Genetics (formerly Invitae), Labcorp
Classification: Uncertain significance. Last evaluated: 2021-04-16. Review status: criteria provided, single submitter. Criteria: Invitae Variant Classification Sherloc (09022015). Collection method: clinical testing. Allele origin: germline.
Comment: This variant is present in population databases (rs35327491, ExAC 0.002%). This variant has not been reported in the literature in individuals with DDRGK1-related conditions. Algorithms developed to predict the effect of missense changes on protein structure and function are either unavailable or do not agree on the potential impact of this missense change (SIFT: "Not Available"; PolyPhen-2: "Probably Damaging"; Align-GVGD: "Not Available"). In summary, the available evidence is currently insufficient to determine the role of this variant in disease. Therefore, it has been classified as a Variant of Uncertain Significance. This sequence change replaces arginine with histidine at codon 164 of the DDRGK1 protein (p.Arg164His). The arginine residue is moderately conserved and there is a small physicochemical difference between arginine and histidine.

NM_023935.3(DDRGK1):c.491G>A (p.Arg164His)

Gene: DDRGK1 (DDRGK domain containing 1; minus strand). Cytogenetic location: 20p13.
Variant type: single nucleotide variant.
Coding change: c.491G>A on transcript NM_023935.3 (MANE Select); coding-DNA position 491, G replaced by A.
Protein change: p.Arg164His; replaces arginine 164 with histidine.
Molecular consequence: missense variant.
Genome position (GRCh38, 1-based): chr20:3,200,020, C>T on the plus strand (G>A on the coding strand, the complement: DDRGK1 is on the minus strand). VCF-style: chr20-3200020-C-T. GRCh37 (hg19) VCF-style: chr20-3180666-C-T.
Other names: short protein forms R164H.
Identifiers: ClinVar variation 1480765 (VCV001480765.6), dbSNP rs35327491, ClinGen allele CA9740915.